The following is an entry in ClinVar:

NM_004176.5(SREBF1):c.2492+10G>A

Gene: SREBF1 (sterol regulatory element binding transcription factor 1; minus strand). Cytogenetic location: 17p11.2.
Variant type: single nucleotide variant.
Coding change: c.2492+10G>A on transcript NM_004176.5 (MANE Select); 10 bases into the intron after coding-DNA position 2492, G replaced by A.
Molecular consequence: intron variant.
Genome position (GRCh38, 1-based): chr17:17,815,211, C>T on the plus strand (G>A on the coding strand, the complement: SREBF1 is on the minus strand). VCF-style: chr17-17815211-C-T. GRCh37 (hg19) VCF-style: chr17-17718525-C-T.
Other names: c.2060+10G>A (NM_001388394.1); c.2486+10G>A (NM_001388389.1); c.2270+10G>A (NM_001388392.1); c.2447+10G>A (NM_001388388.1); c.2474+10G>A (NM_001388390.1); c.2465+10G>A (NM_001388391.1); c.2531+10G>A (NM_001388387.1); c.2111+10G>A (NM_001388393.1); and 3 more.
Identifiers: ClinVar variation 4986139 (VCV004986139.1).

ClinVar aggregate classification (germline): Likely benign (1 of 4 stars; one submission).

Conditions:
SREBF1-related disorder. Also called: SREBF1-related condition.

gnomAD v4.1: 45 of 1,610,582 alleles (0.0028%); highest among the groups gnomAD compares: South Asian, 0.0044%; 2 homozygotes.

Submission:

PreventionGenetics, part of Exact Sciences
Classification: Likely benign for SREBF1-related condition. Last evaluated: 2025-08-21. Review status: criteria provided, single submitter. Criteria: ACMG Guidelines, 2015. Collection method: clinical testing. Allele origin: germline.
Comment: This variant is classified as likely benign based on ACMG/AMP sequence variant interpretation guidelines (Richards et al. 2015 PMID: 25741868, with internal and published modifications).